The following is an entry in ClinVar:

ClinVar aggregate classification (germline): Uncertain significance. Review status: criteria provided, multiple submitters, no conflicts (2 of 4 stars). 3 submissions from 3 submitters: Uncertain significance (3). Last evaluated 2025-08-22.

Conditions:
Hereditary cancer-predisposing syndrome. Also called: Neoplastic Syndromes, Hereditary; Hereditary Cancer Syndrome; Tumor predisposition; Hereditary neoplastic syndrome. Identifiers: Orphanet 140162, MedGen C0027672, MeSH D009386, MONDO:0015356.
Familial cancer of breast. Also called: hereditary breast carcinoma; BREAST CANCER, FAMILIAL; Hereditary breast cancer. Identifiers: Orphanet 227535, MedGen C0346153, MONDO:0016419, OMIM 114480. Disease mechanism: loss of function.

Allele frequency attached by ClinVar (database versions not stated): gnomAD 0.00001.
gnomAD v4.1: 1 of 1,613,644 alleles (0.000062%); highest among the groups gnomAD compares: African/African-American, 0.0013%; no homozygotes.

Submissions (3):

Color Diagnostics, LLC DBA Color Health
Classification: Uncertain significance for Hereditary cancer-predisposing syndrome. Last evaluated: 2025-08-22. Review status: criteria provided, single submitter. Criteria: ACMG Guidelines, 2015. Collection method: clinical testing. Allele origin: germline.
Comment: This missense variant replaces proline with leucine at codon 21 of the CHEK2 protein. Computational prediction suggests that this variant may not impact protein structure and function. To our knowledge, functional studies have not been reported for this variant. This variant has not been reported in individuals affected with CHEK2-related disorders in the literature. This variant has not been identified in the general population by the Genome Aggregation Database (gnomAD). The available evidence is insufficient to determine the role of this variant in disease conclusively. Therefore, this variant is classified as a Variant of Uncertain Significance.

Ambry Genetics
Classification: Uncertain significance for Hereditary cancer-predisposing syndrome. Last evaluated: 2023-12-22. Review status: criteria provided, single submitter. Criteria: Ambry Variant Classification Scheme 2023. Collection method: clinical testing. Allele origin: germline.
Comment: The p.P21L variant (also known as c.62C>T), located in coding exon 1 of the CHEK2 gene, results from a C to T substitution at nucleotide position 62. The proline at codon 21 is replaced by leucine, an amino acid with similar properties. This amino acid position is conserved. In addition, this alteration is predicted to be tolerated by in silico analysis. Since supporting evidence is limited at this time, the clinical significance of this alteration remains unclear.

Labcorp Genetics (formerly Invitae), Labcorp
Classification: Uncertain significance for Familial cancer of breast. Last evaluated: 2022-10-18. Review status: criteria provided, single submitter. Criteria: Invitae Variant Classification Sherloc (09022015). Collection method: clinical testing. Allele origin: germline.
Comment: ClinVar contains an entry for this variant (Variation ID: 573198). This sequence change replaces proline, which is neutral and non-polar, with leucine, which is neutral and non-polar, at codon 21 of the CHEK2 protein (p.Pro21Leu). This variant is not present in population databases (gnomAD no frequency). This variant has not been reported in the literature in individuals affected with CHEK2-related conditions. Algorithms developed to predict the effect of missense changes on protein structure and function output the following: SIFT: "Tolerated"; PolyPhen-2: "Benign"; Align-GVGD: "Class C0". The leucine amino acid residue is found in multiple mammalian species, which suggests that this missense change does not adversely affect protein function. In summary, the available evidence is currently insufficient to determine the role of this variant in disease. Therefore, it has been classified as a Variant of Uncertain Significance.

NM_007194.4(CHEK2):c.62C>T (p.Pro21Leu)

Gene: CHEK2 (checkpoint kinase 2; minus strand). Cytogenetic location: 22q12.1.
Variant type: single nucleotide variant.
Coding change: c.62C>T on transcript NM_007194.4 (MANE Select); coding-DNA position 62, C replaced by T.
Protein change: p.Pro21Leu; replaces proline 21 with leucine.
Molecular consequence: missense variant.
Genome position (GRCh38, 1-based): chr22:28,734,660, G>A on the plus strand (C>T on the coding strand, the complement: CHEK2 is on the minus strand). VCF-style: chr22-28734660-G-A. GRCh37 (hg19) VCF-style: chr22-29130648-G-A.
Other names: c.62C>T, p.Pro21Leu (NM_001005735.3, NM_001349956.3, NM_145862.3); c.-716C>T (NM_001257387.3); short protein forms P21L.
Identifiers: ClinVar variation 573198 (VCV000573198.10), dbSNP rs1569171601, ClinGen allele CA411091770.